The following is an entry in ClinVar:

ClinVar aggregate classification (germline): Likely benign (1 of 4 stars; one submission).

Allele frequency attached by ClinVar (database versions not stated): ESP Exome Variant Server 0.00354; 1000 Genomes Project 30x 0.00219; 1000 Genomes Project 0.00240.
gnomAD v4.1: 6,298 of 1,612,054 alleles (0.39%); highest among the groups gnomAD compares: South Asian, 0.45%; 15 homozygotes.

Submission:

CeGaT Center for Human Genetics Tuebingen
Classification: Likely benign. Last evaluated: 2023-02-01. Review status: criteria provided, single submitter. Criteria: CeGaT Center For Human Genetics Tuebingen Variant Classification Criteria Version 2. Collection method: clinical testing. Allele origin: germline. Affected: yes. Observed: 1 variant allele.
Comment: RANBP10: BP4, BP7, BS2

NM_020850.3(RANBP10):c.1239G>C (p.Ser413=)

Gene: RANBP10 (RAN binding protein 10; minus strand). Cytogenetic location: 16q22.1.
Variant type: single nucleotide variant.
Coding change: c.1239G>C on transcript NM_020850.3 (MANE Select); coding-DNA position 1239, G replaced by C.
Protein change: p.Ser413=; no amino-acid change (serine 413 retained).
Molecular consequence: synonymous variant.
Genome position (GRCh38, 1-based): chr16:67,729,393, C>G on the plus strand (G>C on the coding strand, the complement: RANBP10 is on the minus strand). VCF-style: chr16-67729393-C-G. GRCh37 (hg19) VCF-style: chr16-67763296-C-G.
Other names: c.888G>C, p.Ser296= (NM_001320238.2); c.1071G>C, p.Ser357= (NM_001320239.2); c.552G>C, p.Ser184= (NM_001320240.2); c.1239G>C, p.Ser413= (NM_001410883.1).
Identifiers: ClinVar variation 2646637 (VCV002646637.24), dbSNP rs138394220, ClinGen allele CA8116322.